The following is an entry in ClinVar:

NM_014233.4(UBTF):c.1630G>C (p.Glu544Gln)

Genes: ATXN7L3-AS1 (ATXN7L3 antisense RNA 1; plus strand), UBTF (upstream binding transcription factor; minus strand). Cytogenetic location: 17q21.31.
Variant type: single nucleotide variant.
Coding change: c.1630G>C on transcript NM_014233.4 (MANE Select); coding-DNA position 1630, G replaced by C.
Protein change: p.Glu544Gln; replaces glutamic acid 544 with glutamine.
Molecular consequence: missense variant. On other transcripts: non-coding transcript variant (1).
Genome position (GRCh38, 1-based): chr17:44,209,730, C>G on the plus strand (G>C on the coding strand, the complement: UBTF is on the minus strand). VCF-style: chr17-44209730-C-G. GRCh37 (hg19) VCF-style: chr17-42287098-C-G.
Other names: c.1519G>C, p.Glu507Gln (NM_001076683.2, NM_001076684.3); short protein forms E507Q, E544Q.
Identifiers: ClinVar variation 4996305 (VCV004996305.1).

ClinVar aggregate classification (germline): Uncertain significance (1 of 4 stars; one submission).

Conditions:
UBTF-related disorder. Also called: UBTF-related condition.

Submission:

PreventionGenetics, part of Exact Sciences
Classification: Uncertain significance for UBTF-related condition. Last evaluated: 2026-05-23. Review status: criteria provided, single submitter. Criteria: ACMG Guidelines, 2015. Collection method: clinical testing. Allele origin: germline.
Comment: The UBTF c.1630G>C variant is predicted to result in the amino acid substitution p.Glu544Gln. To our knowledge, this variant has not been reported in the literature or in a large population database (gnomAD), indicating this variant is rare. At this time, the clinical significance of this variant is uncertain due to the absence of conclusive functional and genetic evidence.